The following is an entry in ClinVar:

ClinVar aggregate classification (germline): Uncertain significance (1 of 4 stars; one submission).

gnomAD v4.1: 19 of 1,611,810 alleles (0.0012%); highest among the groups gnomAD compares: Non-Finnish European, 0.0016%; no homozygotes.

Submission:

Labcorp Genetics (formerly Invitae), Labcorp
Classification: Uncertain significance. Last evaluated: 2022-02-04. Review status: criteria provided, single submitter. Criteria: Invitae Variant Classification Sherloc (09022015). Collection method: clinical testing. Allele origin: germline.
Comment: In summary, the available evidence is currently insufficient to determine the role of this variant in disease. Therefore, it has been classified as a Variant of Uncertain Significance. Algorithms developed to predict the effect of sequence changes on RNA splicing suggest that this variant may create or strengthen a splice site. Advanced modeling of protein sequence and biophysical properties (such as structural, functional, and spatial information, amino acid conservation, physicochemical variation, residue mobility, and thermodynamic stability) performed at Invitae indicates that this missense variant is not expected to disrupt SI protein function. This variant has not been reported in the literature in individuals affected with SI-related conditions. This variant is not present in population databases (gnomAD no frequency). This sequence change replaces threonine, which is neutral and polar, with serine, which is neutral and polar, at codon 1326 of the SI protein (p.Thr1326Ser).

NM_001041.4(SI):c.3977C>G (p.Thr1326Ser)

Gene: SI (sucrase-isomaltase; minus strand). Cytogenetic location: 3q26.1.
Variant type: single nucleotide variant.
Coding change: c.3977C>G on transcript NM_001041.4 (MANE Select); coding-DNA position 3977, C replaced by G.
Protein change: p.Thr1326Ser; replaces threonine 1326 with serine.
Molecular consequence: missense variant.
Genome position (GRCh38, 1-based): chr3:165,015,145, G>C on the plus strand (C>G on the coding strand, the complement: SI is on the minus strand). VCF-style: chr3-165015145-G-C. GRCh37 (hg19) VCF-style: chr3-164732933-G-C.
Other names: short protein forms T1326S.
Identifiers: ClinVar variation 1377444 (VCV001377444.6), dbSNP rs1334719838, ClinGen allele CA355035891.